The following is an entry in ClinVar:

NM_001365951.3(KIF1B):c.5360T>C (p.Met1787Thr)

Gene: KIF1B (kinesin family member 1B; plus strand). Cytogenetic location: 1p36.22.
Variant type: single nucleotide variant.
Coding change: c.5360T>C on transcript NM_001365951.3 (MANE Select); coding-DNA position 5360, T replaced by C.
Protein change: p.Met1787Thr; replaces methionine 1787 with threonine.
Molecular consequence: missense variant.
Genome position (GRCh38, 1-based): chr1:10,375,325, T>C. VCF-style: chr1-10375325-T-C. GRCh37 (hg19) VCF-style: chr1-10435383-T-C.
Other names: c.5360T>C, p.Met1787Thr (NM_001365952.1); c.5222T>C, p.Met1741Thr (NM_015074.3); short protein forms M1741T, M1787T.
Identifiers: ClinVar variation 4043108 (VCV004043108.1).

ClinVar aggregate classification (germline): Uncertain significance (1 of 4 stars; one submission).

Submission:

Ambry Genetics
Classification: Uncertain significance. Last evaluated: 2025-04-12. Review status: criteria provided, single submitter. Criteria: Ambry Variant Classification Scheme 2023. Collection method: clinical testing. Allele origin: germline.
Comment: The p.M1741T variant (also known as c.5222T>C), located in coding exon 45 of the KIF1B gene, results from a T to C substitution at nucleotide position 5222. The methionine at codon 1741 is replaced by threonine, an amino acid with similar properties. This amino acid position is conserved. In addition, this alteration is predicted to be tolerated by in silico analysis. Based on the available evidence, the clinical significance of this variant remains unclear.